The following is an entry in ClinVar:

ClinVar aggregate classification (germline): Uncertain significance (1 of 4 stars; one submission).

gnomAD v4.1: 16 of 1,614,110 alleles (0.00099%); highest among the groups gnomAD compares: Middle Eastern, 0.017%; no homozygotes.

Submission:

Mayo Clinic Laboratories, Mayo Clinic
Classification: Uncertain significance. Last evaluated: 2025-11-23. Review status: criteria provided, single submitter. Criteria: ACMG Guidelines, 2015. Collection method: clinical testing. Allele origin: germline. Observed: 1 variant allele.
Comment: BP4_moderate

NM_014994.3(MAPKBP1):c.2693C>T (p.Ala898Val)

Gene: MAPKBP1 (mitogen-activated protein kinase binding protein 1; plus strand). Cytogenetic location: 15q15.1.
Variant type: single nucleotide variant.
Coding change: c.2693C>T on transcript NM_014994.3 (MANE Select); coding-DNA position 2693, C replaced by T.
Protein change: p.Ala898Val; replaces alanine 898 with valine.
Molecular consequence: missense variant. On other transcripts: non-coding transcript variant (2).
Genome position (GRCh38, 1-based): chr15:41,821,043, C>T. VCF-style: chr15-41821043-C-T. GRCh37 (hg19) VCF-style: chr15-42113241-C-T.
Other names: p.Ala904Val; c.2711C>T, p.Ala904Val (NM_001128608.2); c.2693C>T, p.Ala898Val (NM_001265611.2); short protein forms A898V, A904V.
Identifiers: ClinVar variation 4541919 (VCV004541919.1).